The following is an entry in ClinVar:

NM_001792.5(CDH2):c.1682G>T (p.Arg561Leu)

Gene: CDH2 (cadherin 2; minus strand). Cytogenetic location: 18q12.1.
Variant type: single nucleotide variant.
Coding change: c.1682G>T on transcript NM_001792.5 (MANE Select); coding-DNA position 1682, G replaced by T.
Protein change: p.Arg561Leu; replaces arginine 561 with leucine.
Molecular consequence: missense variant.
Genome position (GRCh38, 1-based): chr18:27,988,583, C>A on the plus strand (G>T on the coding strand, the complement: CDH2 is on the minus strand). VCF-style: chr18-27988583-C-A. GRCh37 (hg19) VCF-style: chr18-25568547-C-A.
Other names: c.1589G>T, p.Arg530Leu (NM_001308176.2); short protein forms R530L, R561L.
Identifiers: ClinVar variation 1480126 (VCV001480126.6), dbSNP rs758212729, ClinGen allele CA8923329.

ClinVar aggregate classification (germline): Uncertain significance (1 of 4 stars; one submission).

Allele frequency attached by ClinVar (database versions not stated): ExAC 0.00001; gnomAD exomes 0.00001.
gnomAD v4.1: 6 of 1,611,164 alleles (0.00037%); highest among the groups gnomAD compares: Admixed American, 0.0033%; no homozygotes.

Submission:

Labcorp Genetics (formerly Invitae), Labcorp
Classification: Uncertain significance. Last evaluated: 2024-11-18. Review status: criteria provided, single submitter. Criteria: Invitae Variant Classification Sherloc (09022015). Collection method: clinical testing. Allele origin: germline.
Comment: This sequence change replaces arginine, which is basic and polar, with leucine, which is neutral and non-polar, at codon 561 of the CDH2 protein (p.Arg561Leu). This variant is present in population databases (rs758212729, gnomAD 0.006%). This variant has not been reported in the literature in individuals affected with CDH2-related conditions. ClinVar contains an entry for this variant (Variation ID: 1480126). An algorithm developed to predict the effect of missense changes on protein structure and function (PolyPhen-2) suggests that this variant is likely to be disruptive. In summary, the available evidence is currently insufficient to determine the role of this variant in disease. Therefore, it has been classified as a Variant of Uncertain Significance.